The following is an entry in ClinVar:

ClinVar aggregate classification (germline): Likely benign (1 of 4 stars; one submission).

gnomAD v4.1: 1,128 of 1,613,126 alleles (0.07%); highest among the groups gnomAD compares: African/African-American, 1.4%; 7 homozygotes.

Submission:

CeGaT Center for Human Genetics Tuebingen
Classification: Likely benign. Last evaluated: 2025-08-01. Review status: criteria provided, single submitter. Criteria: CeGaT Center For Human Genetics Tuebingen Variant Classification Criteria Version 2. Collection method: clinical testing. Allele origin: germline. Affected: yes. Observed: 1 variant allele.
Comment: PSMC1: BP4, BP7, BS1

NM_002802.3(PSMC1):c.501G>A (p.Thr167=)

Gene: PSMC1 (proteasome 26S subunit, ATPase 1; plus strand). Cytogenetic location: 14q32.11.
Variant type: single nucleotide variant.
Coding change: c.501G>A on transcript NM_002802.3 (MANE Select); coding-DNA position 501, G replaced by A.
Protein change: p.Thr167=; no amino-acid change (threonine 167 retained).
Molecular consequence: synonymous variant.
Genome position (GRCh38, 1-based): chr14:90,264,076, G>A. VCF-style: chr14-90264076-G-A. GRCh37 (hg19) VCF-style: chr14-90730420-G-A.
Other names: c.282G>A, p.Thr94= (NM_001330212.2).
Identifiers: ClinVar variation 4084091 (VCV004084091.8).